The following is an entry in ClinVar:

ClinVar aggregate classification (germline): Pathogenic (1 of 4 stars; one submission).

Conditions:
Charcot-Marie-Tooth disease recessive intermediate C. Also called: CHARCOT-MARIE-TOOTH NEUROPATHY, RECESSIVE INTERMEDIATE C. Identifiers: Orphanet 369867, MedGen C3809309, MONDO:0014154, OMIM 615376.
Neuronopathy, distal hereditary motor, autosomal recessive 4. Also called: Autosomal recessive lower motor neuron disease with childhood onset; NEUROPATHY, DISTAL HEREDITARY MOTOR, AUTOSOMAL RECESSIVE 4. Identifiers: Orphanet 206580, MedGen C1970211, MONDO:0012608, OMIM 611067.

Submission:

Labcorp Genetics (formerly Invitae), Labcorp
Classification: Pathogenic for Neuronopathy, distal hereditary motor, autosomal recessive 4; Charcot-Marie-Tooth disease recessive intermediate C. Last evaluated: 2023-05-13. Review status: criteria provided, single submitter. Criteria: Invitae Variant Classification Sherloc (09022015). Collection method: clinical testing. Allele origin: germline.
Comment: For these reasons, this variant has been classified as Pathogenic. This variant has not been reported in the literature in individuals affected with PLEKHG5-related conditions. This variant is not present in population databases (gnomAD no frequency). This sequence change creates a premature translational stop signal (p.Ala466Argfs*10) in the PLEKHG5 gene. It is expected to result in an absent or disrupted protein product. Loss-of-function variants in PLEKHG5 are known to be pathogenic (PMID: 17564964, 23777631).

Literature cited by the submitters: PubMed 17564964; PubMed 23777631.

NM_020631.6(PLEKHG5):c.1396del (p.Ala466fs)

Gene: PLEKHG5 (pleckstrin homology and RhoGEF domain containing G5; minus strand). Cytogenetic location: 1p36.31.
Variant type: Deletion.
Coding change: c.1396del on transcript NM_020631.6 (MANE Select); coding-DNA position 1396, one base deleted (G; older notation c.1396delG).
Protein change: p.Ala466fs; shifts the reading frame from alanine 466.
Molecular consequence: frameshift variant.
Genome position (GRCh38, 1-based): chr1:6,470,881, C deleted on the plus strand (G on the coding strand, the reverse complement: PLEKHG5 is on the minus strand); the first of 3 consecutive C bases (chr1:6,470,881-6,470,883); deleting any one gives the same sequence. VCF-style (leftmost placement, unchanged base first): chr1-6470880-GC-G. GRCh37 (hg19) VCF-style: chr1-6530940-GC-G.
Other names: c.1507del, p.Ala503fs (NM_001042663.3, NM_001265592.2); c.1396del, p.Ala466fs (NM_001042664.2, NM_001042665.2, NM_001265594.3 and 1 more transcripts); c.1603del, p.Ala535fs (NM_001265593.2); short protein forms A466fs, A503fs, A535fs.
Identifiers: ClinVar variation 2947725 (VCV002947725.3), dbSNP rs2523157542, ClinGen allele CA2574194759.